The following is an entry in ClinVar:

NM_057175.5(NAA15):c.143C>A (p.Thr48Asn)

Gene: NAA15 (N-alpha-acetyltransferase 15, NatA auxiliary subunit; plus strand). Cytogenetic location: 4q31.1.
Variant type: single nucleotide variant.
Coding change: c.143C>A on transcript NM_057175.5 (MANE Select); coding-DNA position 143, C replaced by A.
Protein change: p.Thr48Asn; replaces threonine 48 with asparagine.
Molecular consequence: missense variant.
Genome position (GRCh38, 1-based): chr4:139,336,851, C>A. VCF-style: chr4-139336851-C-A. GRCh37 (hg19) VCF-style: chr4-140258005-C-A.
Other names: short protein forms T48N.
Identifiers: ClinVar variation 1321282 (VCV001321282.1), dbSNP rs764328356, ClinGen allele CA358258108.

ClinVar aggregate classification (germline): Uncertain significance (1 of 4 stars; one submission).

Conditions:
Intellectual developmental disorder, autosomal dominant 50, with behavioral abnormalities. Also called: MENTAL RETARDATION, AUTOSOMAL DOMINANT 50; Intellectual disability, autosomal dominant 50. Identifiers: MedGen C4540470, MONDO:0030916, OMIM 617787.

Allele frequency attached by ClinVar (database versions not stated): gnomAD exomes below 0.00001.
gnomAD v4.1: 1 of 1,505,078 alleles (0.000066%); highest among the groups gnomAD compares: Non-Finnish European, 0.000089%; no homozygotes.

Submission:

3billion
Classification: Uncertain significance for Intellectual developmental disorder, autosomal dominant 50, with behavioral abnormalities. Last evaluated: 2021-10-25. Review status: criteria provided, single submitter. Criteria: ACMG Guidelines, 2015. Collection method: clinical testing. Allele origin: unknown. Affected: yes. Observed: 1 heterozygote.
Comment: This varant is not observed in the gnomAD v2.1.1 dataset (PM2). In silico tool predictions suggest damaging effect of the variant on gene or gene product (REVEL: 0.661, PP3). Therefore, this variant is classified as uncertain significance according to the recommendation of ACMG/AMP guideline.